The following is an entry in ClinVar:

NM_014244.5(ADAMTS2):c.118_119delinsACCAGCCCAT (p.Ala40fs)

Gene: ADAMTS2 (ADAM metallopeptidase with thrombospondin type 1 motif 2; minus strand). Cytogenetic location: 5q35.3.
Variant type: Indel.
Coding change: c.118_119delinsACCAGCCCAT on transcript NM_014244.5 (MANE Select); coding-DNA positions 118 to 119, GC replaced by ACCAGCCCAT.
Protein change: p.Ala40fs; shifts the reading frame from alanine 40.
Molecular consequence: frameshift variant.
Genome position (GRCh38, 1-based): chr5:179,345,210-179,345,211, GC replaced by ATGGGCTGGT on the plus strand (GC replaced by ACCAGCCCAT on the coding strand, the reverse complement: ADAMTS2 is on the minus strand). VCF-style: chr5-179345210-GC-ATGGGCTGGT. GRCh37 (hg19) VCF-style: chr5-178772211-GC-ATGGGCTGGT.
Other names: c.118_119delinsACCAGCCCAT, p.Ala40fs (NM_021599.4); short protein forms A40fs.
Identifiers: ClinVar variation 5010623 (VCV005010623.1).
Genomic context (GRCh38, chr5:179,345,210, plus strand): 5'-CGGCGGGGGTCCCGGGGAGTAGGGGCCGGGCCGCACCTACCTGGGGGGTCGGCGGCGGCG[GC>ATGGGCTGGT]GAGCCTGGCGTTCGCGGGCGGCGGCGGCGGCGGCAGGAGCGGCGGCGGCAGCAGCAGCAG-3'

ClinVar aggregate classification (germline): Pathogenic (1 of 4 stars; one submission).

Conditions:
Ehlers-Danlos syndrome, dermatosparaxis type. Also called: EDS VIIC; Dermatosparaxis; Ehlers-Danlos syndrome, type VII, autosomal recessive. Identifiers: Orphanet 1901, MedGen C2700425, MONDO:0009161, OMIM 225410.

Submission:

Myriad Genetics, Inc.
Classification: Pathogenic for Ehlers-Danlos syndrome, dermatosparaxis type. Last evaluated: 2024-05-14. Review status: criteria provided, single submitter. Criteria: Myriad Autosomal Dominant, Autosomal Recessive and X-Linked Classification Criteria (2023). Collection method: clinical testing. Allele origin: unknown.
Comment: NM_014244.4(ADAMTS2):c.118_119del2ins10(A40Tfs*128) is expected to be pathogenic in the context of Ehlers-Danlos syndrome, ADAMTS2-related. This variant is predicted to lead to an abnormal or absent protein product due to the creation of a premature termination codon in ADAMTS2, a gene where loss-of-function variants are known to be pathogenic. Please note: this variant was assessed in the context of healthy population screening.